The following is an entry in ClinVar:

ClinVar aggregate classification (germline): Uncertain significance (1 of 4 stars; one submission).

Conditions:
DICER1-related tumor predisposition. Also called: DICER1 syndrome; DICER1-related pleuropulmonary blastoma cancer predisposition syndrome. Identifiers: Orphanet 284343, MedGen C3839822, MONDO:0100216.

Submission:

Labcorp Genetics (formerly Invitae), Labcorp
Classification: Uncertain significance for DICER1-related tumor predisposition. Last evaluated: 2022-04-05. Review status: criteria provided, single submitter. Criteria: Invitae Variant Classification Sherloc (09022015). Collection method: clinical testing. Allele origin: germline.
Comment: In summary, the available evidence is currently insufficient to determine the role of this variant in disease. Therefore, it has been classified as a Variant of Uncertain Significance. Algorithms developed to predict the effect of missense changes on protein structure and function (SIFT, PolyPhen-2, Align-GVGD) all suggest that this variant is likely to be tolerated. This variant has not been reported in the literature in individuals affected with DICER1-related conditions. This variant is not present in population databases (gnomAD no frequency). This sequence change replaces threonine, which is neutral and polar, with proline, which is neutral and non-polar, at codon 1173 of the DICER1 protein (p.Thr1173Pro).

NM_177438.3(DICER1):c.3517A>C (p.Thr1173Pro)

Gene: DICER1 (dicer 1, ribonuclease III; minus strand). Cytogenetic location: 14q32.13.
Variant type: single nucleotide variant.
Coding change: c.3517A>C on transcript NM_177438.3 (MANE Select); coding-DNA position 3517, A replaced by C.
Protein change: p.Thr1173Pro; replaces threonine 1173 with proline.
Molecular consequence: missense variant. On other transcripts: non-coding transcript variant (6).
Genome position (GRCh38, 1-based): chr14:95,103,879, T>G on the plus strand (A>C on the coding strand, the complement: DICER1 is on the minus strand). VCF-style: chr14-95103879-T-G. GRCh37 (hg19) VCF-style: chr14-95570216-T-G.
Other names: c.3517A>C, p.Thr1173Pro (NM_001195573.1, NM_001271282.3, NM_001291628.2 and 13 more transcripts); c.3235A>C, p.Thr1079Pro (NM_001395686.1); c.3112A>C, p.Thr1038Pro (NM_001395687.1, NM_001395688.1, NM_001395689.1 and 2 more transcripts); c.2950A>C, p.Thr984Pro (NM_001395691.1); c.1834A>C, p.Thr612Pro (NM_001395697.1); short protein forms T1079P, T1173P, T612P, T984P, T1038P.
Identifiers: ClinVar variation 2121722 (VCV002121722.4), dbSNP rs2139966545, ClinGen allele CA390875103.